The following is an entry in ClinVar:

ClinVar aggregate classification (germline): Uncertain significance. Review status: criteria provided, multiple submitters, no conflicts (2 of 4 stars). 2 submissions from 2 submitters: Uncertain significance (2). Last evaluated 2024-10-25.

Conditions:
Inborn genetic diseases. Identifiers: MedGen C0950123, MeSH D030342.
Congenital myasthenic syndrome 8. Also called: MYASTHENIC SYNDROME, CONGENITAL, DUE TO AGRIN DEFICIENCY; Myasthenic syndrome, congenital, 8, with pre- and postsynaptic defects. Identifiers: Orphanet 590, MedGen C3808739, MONDO:0014052, OMIM 615120.

Allele frequency attached by ClinVar (database versions not stated): gnomAD exomes below 0.00001 and 0.00001; gnomAD 0.00001; TOPMed 0.00001.
gnomAD v4.1: 13 of 1,611,510 alleles (0.00081%); highest among the groups gnomAD compares: African/African-American, 0.0027%; no homozygotes.

Submissions (2):

Ambry Genetics
Classification: Uncertain significance for Inborn genetic diseases. Last evaluated: 2024-10-25. Review status: criteria provided, single submitter. Criteria: Ambry Variant Classification Scheme 2023. Collection method: clinical testing. Allele origin: germline.

Labcorp Genetics (formerly Invitae), Labcorp
Classification: Uncertain significance for Congenital myasthenic syndrome 8. Last evaluated: 2023-12-11. Review status: criteria provided, single submitter. Criteria: Invitae Variant Classification Sherloc (09022015). Collection method: clinical testing. Allele origin: germline.
Comment: This sequence change replaces arginine, which is basic and polar, with tryptophan, which is neutral and slightly polar, at codon 782 of the AGRN protein (p.Arg782Trp). The frequency data for this variant in the population databases is considered unreliable, as metrics indicate poor data quality at this position in the gnomAD database. This variant has not been reported in the literature in individuals affected with AGRN-related conditions. ClinVar contains an entry for this variant (Variation ID: 1007448). An algorithm developed to predict the effect of missense changes on protein structure and function (PolyPhen-2) suggests that this variant is likely to be disruptive. In summary, the available evidence is currently insufficient to determine the role of this variant in disease. Therefore, it has been classified as a Variant of Uncertain Significance.

NM_198576.4(AGRN):c.2344C>T (p.Arg782Trp)

Gene: AGRN (agrin; plus strand). Cytogenetic location: 1p36.33.
Variant type: single nucleotide variant.
Coding change: c.2344C>T on transcript NM_198576.4 (MANE Select); coding-DNA position 2344, C replaced by T.
Protein change: p.Arg782Trp; replaces arginine 782 with tryptophan.
Molecular consequence: missense variant.
Genome position (GRCh38, 1-based): chr1:1,045,250, C>T. VCF-style: chr1-1045250-C-T. GRCh37 (hg19) VCF-style: chr1-980630-C-T.
Other names: c.2344C>T (NM_198576.3); c.2344C>T, p.Arg782Trp (NM_001305275.2); c.2029C>T, p.Arg677Trp (NM_001364727.2); short protein forms R677W, R782W.
Identifiers: ClinVar variation 1007448 (VCV001007448.7), dbSNP rs1224886218, ClinGen allele CA337838799.